The following is an entry in ClinVar:

NM_002087.4(GRN):c.1521C>T (p.Phe507=)

Gene: GRN (granulin precursor; plus strand). Cytogenetic location: 17q21.31.
Variant type: single nucleotide variant.
Coding change: c.1521C>T on transcript NM_002087.4 (MANE Select); coding-DNA position 1521, C replaced by T.
Protein change: p.Phe507=; no amino-acid change (phenylalanine 507 retained).
Molecular consequence: synonymous variant.
Genome position (GRCh38, 1-based): chr17:44,352,448, C>T. VCF-style: chr17-44352448-C-T. GRCh37 (hg19) VCF-style: chr17-42429816-C-T.
Identifiers: ClinVar variation 888744 (VCV000888744.14), dbSNP rs140070738, ClinGen allele CA8602229.
Genomic context (GRCh38, chr17:44,352,448, plus strand): 5'-CTGCAACGTGAAGGCTCGATCCTGCGAGAAGGAAGTGGTCTCTGCCCAGCCTGCCACCTT[C>T]CTGGCCCGTAGCCCTCACGTGGGTGTGAAGGACGTGGAGTGTGGGGAAGGACACTTCTGC-3'
Protein context (NP_002078.1, residues 497-517): KEVVSAQPAT[Phe507=]LARSPHVGVK

ClinVar aggregate classification (germline): Conflicting classifications of pathogenicity. Review status: criteria provided, conflicting classifications (1 of 4 stars). 4 submissions from 4 submitters: Uncertain significance (2); Likely benign (2). Last evaluated 2025-12-01.

Conditions:
GRN-related frontotemporal lobar degeneration with Tdp43 inclusions (FTD2). Also called: FTLD-TDP, GRN-RELATED; FRONTOTEMPORAL DEMENTIA WITH TDP43 INCLUSIONS, GRN-RELATED; GRN Frontotemporal Dementia; DEMENTIA, HEREDITARY DYSPHASIC DISINHIBITION; FRONTOTEMPORAL LOBAR DEGENERATION WITH UBIQUITIN-POSITIVE INCLUSIONS. Identifiers: Orphanet 100070, Orphanet 282, MedGen C1843792, MONDO:0011842, OMIM 607485. Disease mechanism: loss of function.
Neuronal ceroid lipofuscinosis 11. Also called: GRN-Related Neuronal Ceroid-Lipofuscinosis. Identifiers: Orphanet 314629, Orphanet 79262, MedGen C3539123, MONDO:0013866, OMIM 614706.

Allele frequency attached by ClinVar (database versions not stated): gnomAD 0.00001 and 0.00002; ExAC 0.00002; gnomAD exomes 0.00002 and 0.00004; TOPMed 0.00006; ESP Exome Variant Server 0.00008.
gnomAD v4.1: 34 of 1,614,014 alleles (0.0021%); highest among the groups gnomAD compares: Non-Finnish European, 0.0028%; no homozygotes.

Submissions (4):

CeGaT Center for Human Genetics Tuebingen
Classification: Uncertain significance. Last evaluated: 2025-12-01. Review status: criteria provided, single submitter. Criteria: CeGaT Center For Human Genetics Tuebingen Variant Classification Criteria Version 2. Collection method: clinical testing. Allele origin: germline. Affected: yes. Observed: 1 variant allele.
Comment: GRN: PM2:Supporting, BP4

Labcorp Genetics (formerly Invitae), Labcorp
Classification: Likely benign for Neuronal ceroid lipofuscinosis 11; GRN-related frontotemporal lobar degeneration with Tdp43 inclusions. Last evaluated: 2025-06-23. Review status: criteria provided, single submitter. Criteria: Invitae Variant Classification Sherloc (09022015). Collection method: clinical testing. Allele origin: germline.

Blueprint Genetics
Classification: Likely benign. Last evaluated: 2024-09-18. Review status: criteria provided, single submitter. Criteria: ACMG Guidelines, 2015. Collection method: clinical testing. Allele origin: germline.

Illumina Laboratory Services, Illumina
Classification: Uncertain significance for GRN-related frontotemporal lobar degeneration with Tdp43 inclusions. Last evaluated: 2018-01-13. Review status: criteria provided, single submitter. Criteria: ICSL Variant Classification Criteria 13 December 2019. Collection method: clinical testing. Allele origin: germline.